The following is an entry in ClinVar:

NM_000293.3(PHKB):c.1363G>C (p.Ala455Pro)

Gene: PHKB (phosphorylase kinase regulatory subunit beta; plus strand). Cytogenetic location: 16q12.1.
Variant type: single nucleotide variant.
Coding change: c.1363G>C on transcript NM_000293.3 (MANE Select); coding-DNA position 1363, G replaced by C.
Protein change: p.Ala455Pro; replaces alanine 455 with proline.
Molecular consequence: missense variant.
Genome position (GRCh38, 1-based): chr16:47,596,531, G>C. VCF-style: chr16-47596531-G-C. GRCh37 (hg19) VCF-style: chr16-47630442-G-C.
Other names: p.Ala455Pro; c.1342G>C, p.Ala448Pro (NM_001031835.3); c.1363G>C, p.Ala455Pro (NM_001363837.1); short protein forms A448P, A455P.
Identifiers: ClinVar variation 2683364 (VCV002683364.1), dbSNP rs2506402887, ClinGen allele CA395800171.

ClinVar aggregate classification (germline): Uncertain significance (1 of 4 stars; one submission).

gnomAD v4.1: 7 of 1,613,138 alleles (0.00043%); highest among the groups gnomAD compares: Non-Finnish European, 0.00059%; no homozygotes.

Submission:

Mayo Clinic Laboratories, Mayo Clinic
Classification: Uncertain significance. Last evaluated: 2023-03-29. Review status: criteria provided, single submitter. Criteria: ACMG Guidelines, 2015. Collection method: clinical testing. Allele origin: germline. Observed: 1 variant allele.
Comment: PM2, PM3